The following is an entry in ClinVar:

ClinVar aggregate classification (germline): Uncertain significance (1 of 4 stars; one submission).

Submission:

GeneDx
Classification: Uncertain significance. Last evaluated: 2017-10-04. Review status: criteria provided, single submitter. Criteria: GeneDx Variant Classification (06012015). Collection method: clinical testing. Allele origin: germline. Affected: yes.
Comment: The D972N variant in the IFT140 gene has not been reported previously as a pathogenic variant, nor as a benign variant, to our knowledge. The D972N variant is not observed in large population cohorts (Lek et al., 2016). The D972N variant is a semi-conservative amino acid substitution, which may impact secondary protein structure as these residues differ in some properties. This substitution occurs at a position that is not conserved, however, in silico analysis predicts this variant is probably damaging to the protein structure/function. We interpret D972N as a variant of uncertain significance.

NM_014714.4(IFT140):c.2914G>A (p.Asp972Asn)

Genes: IFT140 (intraflagellar transport 140; minus strand), LOC126862260 (CDK7 strongly-dependent group 2 enhancer GRCh37_chr16:1574508-1575707; plus strand). Cytogenetic location: 16p13.3.
Variant type: single nucleotide variant.
Coding change: c.2914G>A on transcript NM_014714.4 (MANE Select); coding-DNA position 2914, G replaced by A.
Protein change: p.Asp972Asn; replaces aspartic acid 972 with asparagine.
Molecular consequence: missense variant.
Genome position (GRCh38, 1-based): chr16:1,524,867, C>T on the plus strand (G>A on the coding strand, the complement: IFT140 is on the minus strand). VCF-style: chr16-1524867-C-T. GRCh37 (hg19) VCF-style: chr16-1574868-C-T.
Other names: short protein forms D972N.
Identifiers: ClinVar variation 452479 (VCV000452479.2), dbSNP rs1555478031, ClinGen allele CA394226465.
Genomic context (GRCh38, chr16:1,524,867, plus strand): 5'-AGTGGATGCGGACCAGGGAGAAGTGGTCCCGGGCCAGCTCGTAGTAGTGCAGCGCGGCGT[C>T]CATCTCGCCCTGGCTCTCCAGGTACTGCGCCCACCACCGCCACAGGGTCCTGCGGGCAGC-3'
Protein context (NP_055529.2, residues 962-982): AQYLESQGEM[Asp972Asn]AALHYYELAR